The following is an entry in ClinVar:

NM_001955.5(EDN1):c.233A>G (p.Glu78Gly)

Gene: EDN1 (endothelin 1; plus strand). Cytogenetic location: 6p24.1.
Variant type: single nucleotide variant.
Coding change: c.233A>G on transcript NM_001955.5 (MANE Select); coding-DNA position 233, A replaced by G.
Protein change: p.Glu78Gly; replaces glutamic acid 78 with glycine.
Molecular consequence: missense variant.
Genome position (GRCh38, 1-based): chr6:12,292,509, A>G. VCF-style: chr6-12292509-A-G. GRCh37 (hg19) VCF-style: chr6-12292742-A-G.
Other names: c.230A>G, p.Glu77Gly (NM_001168319.2); c.233A>G, p.Glu78Gly (NM_001416563.1, NM_001416564.1, NM_001416565.1); short protein forms E77G, E78G.
Identifiers: ClinVar variation 3344682 (VCV003344682.1).

ClinVar aggregate classification (germline): Uncertain significance (0 of 4 stars; one submission).

Conditions:
EDN1-related disorder. Also called: EDN1-related condition.

gnomAD v4.1: 4 of 1,614,190 alleles (0.00025%); highest among the groups gnomAD compares: Non-Finnish European, 0.00034%; no homozygotes.

Submission:

PreventionGenetics, part of Exact Sciences
Classification: Uncertain significance for EDN1-related condition. Last evaluated: 2024-04-19. Review status: no assertion criteria provided. Collection method: clinical testing. Allele origin: germline.
Comment: The EDN1 c.233A>G variant is predicted to result in the amino acid substitution p.Glu78Gly. To our knowledge, this variant has not been reported in the literature. This variant is reported in 0.00088% of alleles in individuals of European (Non-Finnish) descent in gnomAD. At this time, the clinical significance of this variant is uncertain due to the absence of conclusive functional and genetic evidence.